The following is an entry in ClinVar:

ClinVar aggregate classification (germline): Uncertain significance (1 of 4 stars; one submission).

Submission:

CeGaT Center for Human Genetics Tuebingen
Classification: Uncertain significance. Last evaluated: 2025-11-01. Review status: criteria provided, single submitter. Criteria: CeGaT Center For Human Genetics Tuebingen Variant Classification Criteria Version 2. Collection method: clinical testing. Allele origin: germline. Affected: yes. Observed: 1 variant allele.
Comment: LAMA4: PM2

NM_001105206.3(LAMA4):c.2248C>T (p.Gln750Ter)

Gene: LAMA4 (laminin subunit alpha 4; minus strand). Cytogenetic location: 6q21.
Variant type: single nucleotide variant.
Coding change: c.2248C>T on transcript NM_001105206.3 (MANE Select); coding-DNA position 2248, C replaced by T.
Protein change: p.Gln750Ter; replaces glutamine 750 with a stop codon.
Molecular consequence: nonsense.
Genome position (GRCh38, 1-based): chr6:112,148,262, G>A on the plus strand (C>T on the coding strand, the complement: LAMA4 is on the minus strand). VCF-style: chr6-112148262-G-A. GRCh37 (hg19) VCF-style: chr6-112469464-G-A.
Other names: c.2227C>T, p.Gln743Ter (NM_001105207.3, NM_002290.5); short protein forms Q743*, Q750*.
Identifiers: ClinVar variation 4681571 (VCV004681571.5).
Genomic context (GRCh38, chr6:112,148,262, plus strand): 5'-CAAAATGTTGAAGATTCTGTGACCAGTTGGTTAGATTGTTGGCCATGGGGGCAGTGGCCT[G>A]CTGCACCTCCATCGTCGTCCTGTTGGCTTCCTCGGTGATCAGTCTAGACTGCCCCAGGCG-3'